The following continues an entry in ClinVar:

NM_000157.4(GBA1):c.1226A>G (p.Asn409Ser)

ClinVar aggregate classification (germline): Pathogenic/Likely pathogenic; risk factor. Pathogenic (49); Likely pathogenic (4).

Submissions 35 to 47 of 63:

Laboratory for Molecular Medicine, Mass General Brigham Personalized Medicine
Classification: risk factor for Parkinson disease. Last evaluated: 2020-04-14. Review status: criteria provided, single submitter. Criteria: LMM Criteria. Collection method: clinical testing. Allele origin: germline. Observed: 3 variant alleles.
Comment: GBA c.1226A>G (p.Asn409Ser historically reported as p.Asn370Ser) is a well-established pathogenic variant for autosomal recessive Gaucher disease type I. This variant has been observed in multiple ethnic backgrounds with highest frequencies in individuals of Ashkenazi Jewish ancestry (2.7%, Genome Aggregation Database (gnomAD); rs76763715) and has been reported by clinical laboratories in ClinVar (Variation ID: 4290). Several studies have also reported an odds ratio of 3.08-3.96 for developing Parkinson disease in heterozygous carriers of this variant (OR=3.96 [95% CI 2.6-6.02] Sidransky 2009 PMID: 19846850, OR=3.08 [95% CI 2.32-4.09] Pankratz 2012 PMID: 22451204, OR=3.16 [95% CI 1.76-5.70] Zhao 2016 PMID: 26868973, OR=3.84 [95% CI 1.86-7.91] Zhang 2018 PMID: 29527153). In vitro functional studies suggest this variant results in reduced enzyme activity and increased levels of a-synuclein protein (Woodard 2014 PMID: 25456120, Fernandes 2016 PMID: 26905200). In summary, this variant is an established risk allele for Parkinson disease.

Broad Center for Mendelian Genomics, Broad Institute of MIT and Harvard
Classification: Pathogenic for Gaucher disease. Last evaluated: 2020-01-22. Review status: criteria provided, single submitter. Criteria: ACMG Guidelines, 2015. Collection method: curation. Allele origin: germline. Inheritance: Autosomal recessive inheritance.
Comment: The p.Asn409Ser variant in GBA has been reported in about 80% of all individuals with Gaucher disease with an increased prevalence in the affected Ashkenazi Jewish population, and has segregated with disease in 7 affected relatives from 3 families (PMID: 14757438, 17427031, 20301446). The variant has been identified in 2.691% (279/10368) of Ashkenazi Jewish chromosomes, including 2 homozygotes. Although this variant has been seen in the general population, its frequency is not high enough to rule out a pathogenic role due to the variable phenotypic presentation of this variant. This variant has also been reported in ClinVar (VariationID: 4290) as a VUS by Praxis fuer Humangenetik Tuebingen, as likely pathogenic by University Medical Centre Ljubljana, as Pathogenic by Genetic Services Laboratory, GeneDx, Illumina Clinical Services, Counsyl, Knight Diagnostic Laboratories, EGL Genetic Diagnostics, Fulgent Genetics, Integrated Genetics, Shahid Beheshti University of Medical Sciences, Mayo Clinic Genetic Testing Laboratories, Children's Hospital of Philadelphia, and OMIM. In vitro functional studies showing reduced enzymatic activity, increased a-synuclein concentration, restoration of enzymatic activity through molecular chaperones, and a shifted optimal pH for enzymatic activity provide some evidence that the p.Asn409Ser variant may impact protein function (PMID: 14757438, 21472771, 28923368, 20980259). However, these types of assays may not accurately represent biological function. Additionally, animal models in mice demonstrating enzyme properties comparable to those in human Gaucher patients have shown that this variant causes Gaucher disease (PMID: 16293621). Computational prediction tools and conservation analyses do not provide strong support for or against an impact to the protein. The phenotype of an individual homozygous or compound heterozygous for this variant is highly specific for Gaucher disease based on hepatomegaly, splenomegaly, and low residual enzyme activity consistent with disease (PMID: 14757438). The p.Asn409Ser variant is located in a region of GBA that is essential to protein folding and stability, suggesting that this variant is in a functional domain and supports pathogenicity (PMID: 20980259, 16293621, 14757438, 28923368). Additionally, the presence of this variant in at least 26 homozygotes and in combination with reported pathogenic variants in at least 65 individuals with Gaucher disease increases the likelihood that the p.Asn409Ser variant is pathogenic (VariationID: 4288, 93459; PMID: 17427031, 14757438). The p.Asn409Ser variant is pathogenic based off of our findings, multiple reports in ClinVar, and the literature. ACMG/AMP Criteria applied: PM3_very-strong, PS3, PM1, PP1_moderate, PP4 (Richards 2015).

GeneDx
Classification: Pathogenic. Last evaluated: 2020-01-10. Review status: criteria provided, single submitter. Criteria: GeneDx Variant Classification Process June 2021. Collection method: clinical testing. Allele origin: germline. Affected: yes.
Comment: Published functional studies demonstrate that the defective protein shows reduced activity compared to wildtype (Grace et al., 1994; Malini et al., 2014); Observed in 279/10,368 (2.7%) alleles from individuals of Ashkenazi Jewish background, including multiple unrelated homozygous individuals, in large population cohorts, which is consistent with the high carrier frequency of this pathogenic variant among Ashkenazi Jewish individuals (Lek et al. 2016; Diaz et al., 2000); This variant is associated with the following publications: (PMID: 31996268, 32042592, 8294487, 30146349, 28779532, 30216542, 30364808, 28966932, 21745757, 19260119, 22388998, 21472771, 20837833, 23642305, 21700325, 19830760, 22961873, 22220748, 24022302, 24434810, 22975760, 22995991, 20643691, 22623374, 23588557, 16293621, 20980259, 20980263, 21653695, 18979180, 25333069, 21742527, 19217815, 22592100, 23676350, 20816920, 19945510, 18987351, 25653295, 25168325, 24020503, 22160715, 23277556, 22192918, 25249066, 21228398, 15146461, 12022475, 10777718, 27393345, 27094865, 27312774, 26096741, 27271787, 27153395, 19846850, 25456120, 28834018, 29625627, 24195576, 29431110, 29140481, 14578207, 8160756, 30302829, 30528841, 30609409, 30487145, 29842932, 27735925, 29029963, 28218669, 29487000, 30606667, 31188768, 9556036, 33281709, 32658388)

Myriad Genetics, Inc.
Classification: Pathogenic for Gaucher disease type I. Last evaluated: 2019-10-18. Review status: criteria provided, single submitter. Criteria: Myriad Women's Health Autosomal Recessive and X-Linked Classification Criteria (2019). Collection method: clinical testing. Allele origin: unknown.
Comment: NM_001005741.2(GBA):c.1226A>G(N409S, aka N370S) is classified as pathogenic in the context of Gaucher disease and is associated with Type 1 form of disease. Sources cited for classification include the following: PMID 22220748, 19260119, 18979180, 16293621, 3353383, 10796875, 19217815, 15146461. Classification of NM_001005741.2(GBA):c.1226A>G(N409S, aka N370S) is based on the following criteria: This is a well-established pathogenic variant in the literature that has been observed more frequently in patients with clinical diagnoses than in healthy populations. Please note: this variant was assessed in the context of healthy population screening.

Hadassah Hebrew University Medical Center
Classification: Pathogenic for Gaucher disease, type I. Last evaluated: 2019-06-20. Review status: criteria provided, single submitter. Criteria: ACMG Guidelines, 2015. Collection method: clinical testing. Allele origin: germline. Affected: yes.

Baylor Genetics
Classification: Pathogenic for Gaucher disease perinatal lethal. Last evaluated: 2019-03-04. Review status: criteria provided, single submitter. Criteria: ACMG Guidelines, 2015. Collection method: clinical testing. Allele origin: unknown. Affected: yes.
Comment: This variant was determined to be pathogenic according to ACMG Guidelines, 2015 [PMID:25741868].

Genomic Research Center, Shahid Beheshti University of Medical Sciences
Classification: Pathogenic for Gaucher disease type I. Last evaluated: 2017-12-03. Review status: criteria provided, single submitter. Criteria: ACMG Guidelines, 2015. Collection method: clinical testing. Allele origin: inherited. Affected: yes.

Eurofins Ntd Llc (ga)
Classification: Pathogenic. Last evaluated: 2017-05-18. Review status: criteria provided, single submitter. Criteria: EGL Classification Definitions. Collection method: clinical testing. Allele origin: germline. Observed: 105 variant alleles, 89 heterozygotes, 16 homozygotes.

Illumina Laboratory Services, Illumina
Classification: Pathogenic for Gaucher Disease. Last evaluated: 2016-06-14. Review status: criteria provided, single submitter. Criteria: ICSL Variant Classification 20161018. Collection method: clinical testing. Allele origin: germline.

Illumina Laboratory Services, Illumina
Classification: Pathogenic for Susceptibility to Parkinson's Disease. Last evaluated: 2016-06-14. Review status: criteria provided, single submitter. Criteria: ICSL Variant Classification 20161018. Collection method: clinical testing. Allele origin: germline.

Women's Health and Genetics/Laboratory Corporation of America, LabCorp
Classification: Pathogenic for Gaucher disease. Last evaluated: 2016-01-18. Review status: criteria provided, single submitter. Criteria: LabCorp Variant Classification Summary - May 2015. Collection method: clinical testing. Allele origin: germline.
Comment: Variant summary: c.1226A>G affects a conserved nucleotide, resulting in amino acid change from Asn to Ser. 2/3 in-silico tools predict this variant to be benign (SNPs&GO not captured due to low reliability index). This variant was found in 272/123472 control chromosomes at a frequency of 0.0022029, which does not significantly exceed maximal expected frequency of a pathogenic allele (0.005). This variant has been reported in multiple GD pts as well as in pts with Parkinson disease. Functional study showed variant with 13.3% of WT activity (Grace_1994). In addition, multiple clinical laboratories classified this variant as pathogenic. Taken together, this variant was classified as a Pathogenic.

Centre for Mendelian Genomics, University Medical Centre Ljubljana
Classification: Pathogenic for Gaucher disease perinatal lethal. Last evaluated: 2016-01-01. Review status: criteria provided, single submitter. Criteria: ACMG Guidelines, 2015. Collection method: clinical testing. Allele origin: unknown. Affected: yes.
Comment: This variant was classified as: Pathogenic. The following ACMG criteria were applied in classifying this variant: PS3,PS1,PM3,PP3,PP5.

Knight Diagnostic Laboratories, Oregon Health and Sciences University
Classification: Pathogenic for Gaucher disease type I. Last evaluated: 2015-07-10. Review status: criteria provided, single submitter. Criteria: ACMG Guidelines, 2015. Collection method: clinical testing. Allele origin: germline. Affected: no. Study: CSER-NextGen.
Comment: The c.1226A>G (p.Asn409Ser) variant is a known missense variant in a gene where missense is a common mechanism of disease. In addition, several functional studies have shown this variant to have reduced catalytic activity (by 81-95%) (Babajani et al. 2012). It is found at a very low frequency in control population databases (1000 Genomes, ExAc, and Exome Sequencing Project [ESP]) and has been predicted deleterious by various computational algorithms. It has been reported pathogenic by reputable patient databases (ClinVar, Human Genetic Mutation Database [HGMD] and Emory Genetic Laboratory). In summary, the c.1226A>G (p.Asn409Ser) meets our criteria for a recessive pathogenic variant for Gaucher disease.